The following is an entry in ClinVar:

ClinVar aggregate classification (germline): Benign/Likely benign. Review status: criteria provided, multiple submitters, no conflicts (2 of 4 stars). 7 submissions from 7 submitters: Benign (1); Likely benign (6). Last evaluated 2026-01-25.

Conditions:
Fraser syndrome 1 (FRASRS1). Also called: CRYPTOPHTHALMOS WITH OTHER MALFORMATIONS. Identifiers: Orphanet 2052, MedGen C4551480, MONDO:0054737, OMIM 219000.

Allele frequency attached by ClinVar (database versions not stated): ESP Exome Variant Server 0.00065; gnomAD 0.00070 and 0.00084; gnomAD exomes 0.00078; TOPMed 0.00080; 1000 Genomes Project 0.00120; 1000 Genomes Project 30x 0.00125.
gnomAD v4.1: 1,313 of 1,613,886 alleles (0.081%); highest among the groups gnomAD compares: Middle Eastern, 1.3%; 7 homozygotes.

Submissions (7):

Labcorp Genetics (formerly Invitae), Labcorp
Classification: Benign. Last evaluated: 2026-01-25. Review status: criteria provided, single submitter. Criteria: Invitae Variant Classification Sherloc (09022015). Collection method: clinical testing. Allele origin: germline.

Blueprint Genetics
Classification: Likely benign. Last evaluated: 2024-11-25. Review status: criteria provided, single submitter. Criteria: ACMG Guidelines, 2015. Collection method: clinical testing. Allele origin: germline.

CeGaT Center for Human Genetics Tuebingen
Classification: Likely benign. Last evaluated: 2022-05-01. Review status: criteria provided, single submitter. Criteria: CeGaT Center For Human Genetics Tuebingen Variant Classification Criteria Version 2. Collection method: clinical testing. Allele origin: germline. Affected: yes. Observed: 2 variant alleles.
Comment: FRAS1: BP4, BP7

Fulgent Genetics
Classification: Likely benign for Fraser syndrome 1. Last evaluated: 2021-10-19. Review status: criteria provided, single submitter. Criteria: ACMG Guidelines, 2015. Collection method: clinical testing. Allele origin: unknown.

Genetic Services Laboratory, University of Chicago
Classification: Likely benign. Last evaluated: 2018-11-08. Review status: criteria provided, single submitter. Criteria: ACMG Guidelines, 2015. Collection method: clinical testing. Allele origin: germline. Affected: no.

Illumina Laboratory Services, Illumina
Classification: Likely benign for Fraser syndrome 1. Last evaluated: 2018-01-13. Review status: criteria provided, single submitter. Criteria: ICSL Variant Classification Criteria 13 December 2019. Collection method: clinical testing. Allele origin: germline.
Comment: This variant was observed in the ICSL laboratory as part of a predisposition screen in an ostensibly healthy population. It had not been previously curated by ICSL or reported in the Human Gene Mutation Database (HGMD: prior to June 1st, 2018), and was therefore a candidate for classification through an automated scoring system. Utilizing variant allele frequency, disease prevalence and penetrance estimates, and inheritance mode, an automated score was calculated to assess if this variant is too frequent to cause the disease. Based on the score and internal cut-off values, a variant classified as likely benign is not then subjected to further curation. The score for this variant resulted in a classification of likely benign for this disease.

Breakthrough Genomics
Classification: Likely benign. Review status: criteria provided, single submitter. Criteria: ACMG Guidelines, 2015. Collection method: not provided. Allele origin: germline. Inheritance: Autosomal recessive inheritance. Affected: yes.

NM_025074.7(FRAS1):c.8574G>A (p.Lys2858=)

Genes: FRAS1 (Fraser extracellular matrix complex subunit 1; plus strand), LOC126807088 (CDK7 strongly-dependent group 2 enhancer GRCh37_chr4:79402250-79403449; plus strand). Cytogenetic location: 4q21.21.
Variant type: single nucleotide variant.
Coding change: c.8574G>A on transcript NM_025074.7 (MANE Select); coding-DNA position 8574, G replaced by A.
Protein change: p.Lys2858=; no amino-acid change (lysine 2858 retained).
Molecular consequence: synonymous variant.
Genome position (GRCh38, 1-based): chr4:78,481,934, G>A. VCF-style: chr4-78481934-G-A. GRCh37 (hg19) VCF-style: chr4-79403088-G-A.
Identifiers: ClinVar variation 349771 (VCV000349771.58), dbSNP rs201745281, ClinGen allele CA2978413.